The following is an entry in ClinVar:

ClinVar aggregate classification (germline): Likely pathogenic. Review status: criteria provided, multiple submitters, no conflicts (2 of 4 stars). 4 submissions from 4 submitters: Likely pathogenic (4). Last evaluated 2024-10-22.

Conditions:
KCNJ1-related disorders.
Bartter disease type 2. Also called: HYPERPROSTAGLANDIN E SYNDROME 2; Bartter syndrome, type 2, antenatal; HYPOKALEMIC ALKALOSIS WITH HYPERCALCIURIA 2, ANTENATAL. Identifiers: Orphanet 112, Orphanet 620220, MedGen C1855849, MONDO:0009424, OMIM 241200.

Allele frequency attached by ClinVar (database versions not stated): ExAC 0.00001; gnomAD 0.00001; gnomAD exomes 0.00001; TOPMed 0.00001.
gnomAD v4.1: 6 of 1,614,100 alleles (0.00037%); highest among the groups gnomAD compares: Non-Finnish European, 0.00051%; no homozygotes.

Submissions (4):

MVZ Medizinische Genetik Mainz
Classification: Likely pathogenic for Bartter disease type 2. Last evaluated: 2024-10-22. Review status: criteria provided, single submitter. Criteria: UK Practice Guidelines For Variant Classification V4 01 2020. Collection method: clinical testing. Allele origin: germline. Inheritance: Autosomal recessive inheritance. Affected: yes. Observed: 1 variant allele.
Comment: ACMG Criteria: PM3_STR,PP3_STR,PM2_SUP

Blueprint Genetics
Classification: Likely pathogenic for KCNJ1-related disorders. Last evaluated: 2024-07-02. Review status: criteria provided, single submitter. Criteria: ACMG Guidelines, 2015. Collection method: clinical testing. Allele origin: germline. Affected: yes. Observed: 5 variant alleles.

Fulgent Genetics
Classification: Likely pathogenic for Bartter disease type 2. Last evaluated: 2024-06-05. Review status: criteria provided, single submitter. Criteria: ACMG Guidelines, 2015. Collection method: clinical testing. Allele origin: germline.

CeGaT Center for Human Genetics Tuebingen
Classification: Likely pathogenic. Last evaluated: 2022-10-01. Review status: criteria provided, single submitter. Criteria: CeGaT Center For Human Genetics Tuebingen Variant Classification Criteria Version 2. Collection method: clinical testing. Allele origin: germline. Affected: yes. Observed: 1 variant allele.
Comment: KCNJ1: PM3:Strong, PM2, PP4

NM_153766.3(KCNJ1):c.76A>G (p.Lys26Glu)

Gene: KCNJ1 (potassium inwardly rectifying channel subfamily J member 1; minus strand). Cytogenetic location: 11q24.3.
Variant type: single nucleotide variant.
Coding change: c.76A>G on transcript NM_153766.3 (MANE Select); coding-DNA position 76, A replaced by G.
Protein change: p.Lys26Glu; replaces lysine 26 with glutamic acid.
Molecular consequence: missense variant.
Genome position (GRCh38, 1-based): chr11:128,840,168, T>C on the plus strand (A>G on the coding strand, the complement: KCNJ1 is on the minus strand). VCF-style: chr11-128840168-T-C. GRCh37 (hg19) VCF-style: chr11-128710063-T-C.
Other names: c.133A>G, p.Lys45Glu (NM_000220.6); c.76A>G, p.Lys26Glu (NM_153764.3, NM_153767.4); c.127A>G, p.Lys43Glu (NM_153765.3); short protein forms K26E, K43E, K45E.
Identifiers: ClinVar variation 1879219 (VCV001879219.32), dbSNP rs755164642, ClinGen allele CA6357579.